The following is an entry in ClinVar:

NM_000533.5(PLP1):c.728C>T (p.Ala243Val)

Genes: PLP1 (proteolipid protein 1; plus strand), RAB9B (RAB9B, member RAS oncogene family; minus strand). Cytogenetic location: Xq22.2.
Variant type: single nucleotide variant.
Coding change: c.728C>T on transcript NM_000533.5 (MANE Select); coding-DNA position 728, C replaced by T.
Protein change: p.Ala243Val; replaces alanine 243 with valine.
Molecular consequence: missense variant.
Genome position (GRCh38, 1-based): chrX:103,789,364, C>T. VCF-style: chrX-103789364-C-T. GRCh37 (hg19) VCF-style: chrX-103044293-C-T.
Other names: c.728C>T, p.Ala243Val (NM_001128834.3); c.563C>T, p.Ala188Val (NM_001305004.1); c.623C>T, p.Ala208Val (NM_199478.3); short protein forms A188V, A208V, A243V.
Identifiers: ClinVar variation 3255452 (VCV003255452.4), dbSNP rs2522322864.

ClinVar aggregate classification (germline): Pathogenic/Likely pathogenic. Review status: criteria provided, multiple submitters, no conflicts (2 of 4 stars). 2 submissions from 2 submitters: Pathogenic (1); Likely pathogenic (1). Last evaluated 2022-01-27.

Conditions:
Pelizaeus-Merzbacher disease. Also called: LEUKODYSTROPHY, HYPOMYELINATING, 1; Sudanophilic leukodystrophy; Pelizeaus-Merzbacher spectrum disorder; Pelizaeus-Merzbacher spectrum disorder; Pelizaeus-Merzbacher Disease (PMD). Identifiers: Orphanet 702, MedGen C0205711, MONDO:0010714, OMIM 312080, HP:0003269.
Hereditary spastic paraplegia 2 (SPG2). Also called: SPASTIC PARAPLEGIA 2, X-LINKED; Spastic Paraplegia 2 (SPG2). Identifiers: Orphanet 99015, MedGen C0751604, MONDO:0010733, OMIM 312920.

Submissions (2):

Molecular Diagnostics Lab, Nemours Children's Health, Delaware
Classification: Pathogenic for Pelizaeus-Merzbacher disease. Last evaluated: 2022-01-27. Review status: criteria provided, single submitter. Criteria: ACMG Guidelines, 2015. Collection method: clinical testing. Allele origin: unknown. Inheritance: X-linked inheritance. Affected: yes. Observed: 2 hemizygotes. Clinical features observed: Nystagmus (HP:0000639), Hypotonia (HP:0001252), Leukodystrophy (HP:0002415), Thin corpus callosum (HP:0033725).
Comment: This missense variant (c.728C>T, p.Ala243Val) has not been observed in population databases (gnomAD). It has been described in the literature (PMID 31110947, PMID 24521562, PMID 23344956, PMID 9482656) and functional studies indicate a deleterious effect on protein expression. Variant prediction programs support a deleterious effect on the protein. Several functional studies have reported deleterious effects from other changes within the same codon (p.Ala243Ser; PMID31110947, PMID 24521562, PMID 23344956) which further supports a classification of pathogenic for this variant.

Juno Genomics, Hangzhou Juno Genomics, Inc
Classification: Likely pathogenic for Pelizaeus-Merzbacher disease; Hereditary spastic paraplegia 2. Review status: criteria provided, single submitter. Criteria: ACMG Guidelines, 2015. Collection method: clinical testing. Allele origin: germline.
Comment: Absent from controls (or at extremely low frequency if recessive) in Genome Aggregation Database.;Well-established in vitro or in vivo functional studies supportive of a damaging effect on the gene or gene product.;Patient's phenotype or family history is highly specific for a disease with a single genetic etiology.

Literature cited by the submitters: PubMed 31110947 (cited by Molecular Diagnostics Lab, Nemours Children's Health, Delaware); PubMed 24521562 (cited by Molecular Diagnostics Lab, Nemours Children's Health, Delaware); PubMed 23344956 (cited by Molecular Diagnostics Lab, Nemours Children's Health, Delaware); PubMed 9482656 (cited by Molecular Diagnostics Lab, Nemours Children's Health, Delaware).